The following is an entry in ClinVar:

NM_004859.4(CLTC):c.1809G>C (p.Gln603His)

Gene: CLTC (clathrin heavy chain; plus strand). Cytogenetic location: 17q23.1.
Variant type: single nucleotide variant.
Coding change: c.1809G>C on transcript NM_004859.4 (MANE Select); coding-DNA position 1809, G replaced by C.
Protein change: p.Gln603His; replaces glutamine 603 with histidine.
Molecular consequence: missense variant.
Genome position (GRCh38, 1-based): chr17:59,666,506, G>C. VCF-style: chr17-59666506-G-C. GRCh37 (hg19) VCF-style: chr17-57743867-G-C.
Other names: c.1821G>C, p.Gln607His (NM_001288653.2); short protein forms Q607H, Q603H.
Identifiers: ClinVar variation 5000081 (VCV005000081.1).

ClinVar aggregate classification (germline): Uncertain significance (1 of 4 stars; one submission).

Conditions:
CLTC-related disorder. Also called: CLTC-related condition.

Submission:

PreventionGenetics, part of Exact Sciences
Classification: Uncertain significance for CLTC-related condition. Last evaluated: 2025-07-24. Review status: criteria provided, single submitter. Criteria: ACMG Guidelines, 2015. Collection method: clinical testing. Allele origin: germline.
Comment: The CLTC c.1821G>C variant is predicted to result in the amino acid substitution p.Gln607His. To our knowledge, this variant has not been reported in the literature or in a large population database (gnomAD), indicating this variant is rare. At this time, the clinical significance of this variant is uncertain due to the absence of conclusive functional and genetic evidence.